The following is an entry in ClinVar:

ClinVar aggregate classification (germline): Conflicting classifications of pathogenicity. Review status: criteria provided, conflicting classifications (1 of 4 stars). 2 submissions from 2 submitters: Uncertain significance (1); Likely benign (1). Last evaluated 2025-05-16.

Conditions:
Inborn genetic diseases. Identifiers: MedGen C0950123, MeSH D030342.

Allele frequency attached by ClinVar (database versions not stated): ExAC 0.00001; gnomAD 0.00001; gnomAD exomes 0.00003; TOPMed 0.00003.
gnomAD v4.1: 50 of 1,613,232 alleles (0.0031%); highest among the groups gnomAD compares: Non-Finnish European, 0.0042%; no homozygotes.

Submissions (2):

Ambry Genetics
Classification: Likely benign for Inborn genetic diseases. Last evaluated: 2025-05-16. Review status: criteria provided, single submitter. Criteria: Ambry Variant Classification Scheme 2023. Collection method: clinical testing. Allele origin: germline.

Labcorp Genetics (formerly Invitae), Labcorp
Classification: Uncertain significance. Last evaluated: 2022-03-24. Review status: criteria provided, single submitter. Criteria: Invitae Variant Classification Sherloc (09022015). Collection method: clinical testing. Allele origin: germline.
Comment: In summary, the available evidence is currently insufficient to determine the role of this variant in disease. Therefore, it has been classified as a Variant of Uncertain Significance. Algorithms developed to predict the effect of missense changes on protein structure and function output the following: SIFT: "Tolerated"; PolyPhen-2: "Benign"; Align-GVGD: "Class C0". The valine amino acid residue is found in multiple mammalian species, which suggests that this missense change does not adversely affect protein function. This variant has not been reported in the literature in individuals affected with LTBP2-related conditions. This variant is present in population databases (rs746212575, gnomAD 0.004%). This sequence change replaces alanine, which is neutral and non-polar, with valine, which is neutral and non-polar, at codon 270 of the LTBP2 protein (p.Ala270Val).

NM_000428.3(LTBP2):c.809C>T (p.Ala270Val)

Gene: LTBP2 (latent transforming growth factor beta binding protein 2; minus strand). Cytogenetic location: 14q24.3.
Variant type: single nucleotide variant.
Coding change: c.809C>T on transcript NM_000428.3 (MANE Select); coding-DNA position 809, C replaced by T.
Protein change: p.Ala270Val; replaces alanine 270 with valine.
Molecular consequence: missense variant.
Genome position (GRCh38, 1-based): chr14:74,585,875, G>A on the plus strand (C>T on the coding strand, the complement: LTBP2 is on the minus strand). VCF-style: chr14-74585875-G-A. GRCh37 (hg19) VCF-style: chr14-75052578-G-A.
Other names: c.809C>T (NM_000428.2); short protein forms A270V.
Identifiers: ClinVar variation 2414041 (VCV002414041.5), dbSNP rs746212575, ClinGen allele CA7270088.